The following is an entry in ClinVar:

ClinVar aggregate classification (germline): Conflicting classifications of pathogenicity. Review status: criteria provided, conflicting classifications (1 of 4 stars). 8 submissions from 8 submitters: Uncertain significance (2); Benign (1); Likely benign (4). 1 of the submissions does not count toward it. Last evaluated 2026-02-02.

Conditions:
KCNA5-related disorder. Also called: KCNA5-related condition.
Atrial fibrillation, familial, 7 (ATFB7). Identifiers: MedGen C2677106, MONDO:0012828, OMIM 612240.
Pulmonary hypertension, primary, 1 (PPH1). Also called: Pulmonary hypertension, familial primary, 1, with or without HHT. Identifiers: Orphanet 422, MedGen C4552070, MONDO:0024533, OMIM 178600.

Allele frequency attached by ClinVar (database versions not stated): 1000 Genomes Project 0.00040; 1000 Genomes Project 30x 0.00062; ExAC 0.00083; gnomAD exomes 0.00088 and 0.00182; ESP Exome Variant Server 0.00115; gnomAD 0.00121 and 0.00128; TOPMed 0.00126.

Submissions (8):

Labcorp Genetics (formerly Invitae), Labcorp
Classification: Likely benign for Atrial fibrillation, familial, 7. Last evaluated: 2026-02-02. Review status: criteria provided, single submitter. Criteria: Invitae Variant Classification Sherloc (09022015). Collection method: clinical testing. Allele origin: germline.

Blueprint Genetics
Classification: Likely benign. Last evaluated: 2024-11-22. Review status: criteria provided, single submitter. Criteria: ACMG Guidelines, 2015. Collection method: clinical testing. Allele origin: germline.

CeGaT Center for Human Genetics Tuebingen
Classification: Benign. Last evaluated: 2024-10-01. Review status: criteria provided, single submitter. Criteria: CeGaT Center For Human Genetics Tuebingen Variant Classification Criteria Version 2. Collection method: clinical testing. Allele origin: germline. Affected: yes. Observed: 1 variant allele.
Comment: KCNA5: BP4, BS1, BS2

GeneDx
Classification: Likely benign. Last evaluated: 2024-06-04. Review status: criteria provided, single submitter. Criteria: GeneDx Variant Classification Process June 2021. Collection method: clinical testing. Allele origin: germline. Affected: yes.
Comment: See Variant Classification Assertion Criteria.

Women's Health and Genetics/Laboratory Corporation of America, LabCorp
Classification: Likely benign. Last evaluated: 2024-03-31. Review status: criteria provided, single submitter. Criteria: LabCorp Variant Classification Summary - May 2015. Collection method: clinical testing. Allele origin: germline.

Illumina Laboratory Services, Illumina
Classification: Uncertain significance for Atrial fibrillation, familial, 7. Last evaluated: 2017-04-27. Review status: criteria provided, single submitter. Criteria: ICSL Variant Classification Criteria 13 December 2019. Collection method: clinical testing. Allele origin: germline.
Comment: This variant was observed as part of a predisposition screen in an ostensibly healthy population. A literature search was performed for the gene, cDNA change, and amino acid change (where applicable). Publications were found based on this search. However, the evidence from the literature, in combination with allele frequency data from public databases where available, was not sufficient to rule this variant in or out of causing disease. Therefore, this variant is classified as a variant of unknown significance.

Biesecker Lab/Clinical Genomics Section, National Institutes of Health
Classification: Uncertain significance for Pulmonary arterial hypertension. Last evaluated: 2013-06-24. Review status: criteria provided, single submitter. Criteria: Ng et al. (Circ Cardiovasc Genet. 2013). Collection method: research. Allele origin: unknown. Observed: 3 variant alleles. Study: ClinSeq.
Comment: The study set was not selected for affection status in relation to any cancer. HGMD phenotype assertion is uncertain. Pathogenicity categories were based on literature curation. See Pubmed ID:23861362 for details.

Medical sequencing

PreventionGenetics, part of Exact Sciences
Classification: Likely benign for KCNA5-related condition. Last evaluated: 2022-02-26. Review status: no assertion criteria provided. Collection method: clinical testing. Allele origin: germline. Not counted in ClinVar's aggregate classification.
Comment: This variant is classified as likely benign based on ACMG/AMP sequence variant interpretation guidelines (Richards et al. 2015 PMID: 25741868, with internal and published modifications).

Literature cited by the submitters: PubMed 20018952 (cited by Illumina Laboratory Services, Illumina); PubMed 21685056 (cited by Illumina Laboratory Services, Illumina); PubMed 23861362 (cited by Illumina Laboratory Services, Illumina); PubMed 24068186 (cited by Illumina Laboratory Services, Illumina); PubMed 25076992 (cited by Illumina Laboratory Services, Illumina).

NM_002234.4(KCNA5):c.633G>C (p.Glu211Asp)

Gene: KCNA5 (potassium voltage-gated channel subfamily A member 5; plus strand). Cytogenetic location: 12p13.32.
Variant type: single nucleotide variant.
Coding change: c.633G>C on transcript NM_002234.4 (MANE Select); coding-DNA position 633, G replaced by C.
Protein change: p.Glu211Asp; replaces glutamic acid 211 with aspartic acid.
Molecular consequence: missense variant.
Genome position (GRCh38, 1-based): chr12:5,044,780, G>C. VCF-style: chr12-5044780-G-C. GRCh37 (hg19) VCF-style: chr12-5153946-G-C.
Other names: short protein forms E211D.
Identifiers: ClinVar variation 191459 (VCV000191459.36), dbSNP rs35853292, ClinGen allele CA278491.
Genomic context (GRCh38, chr12:5,044,780, plus strand): 5'-CTCCCTGGACGTGTTCGCGGACGAGATACGCTTCTACCAGCTGGGGGACGAGGCCATGGA[G>C]CGCTTCCGCGAGGATGAGGGCTTCATTAAAGAAGAGGAGAAGCCCCTGCCCCGCAACGAG-3'
Protein context (NP_002225.2, residues 201-221): RFYQLGDEAM[Glu211Asp]RFREDEGFIK